The following is an entry in ClinVar:

NM_001620.3(AHNAK):c.14487C>T (p.Asp4829=)

Gene: AHNAK (AHNAK nucleoprotein; minus strand). Cytogenetic location: 11q12.3.
Variant type: single nucleotide variant.
Coding change: c.14487C>T on transcript NM_001620.3 (MANE Select); coding-DNA position 14487, C replaced by T.
Protein change: p.Asp4829=; no amino-acid change (aspartic acid 4829 retained).
Molecular consequence: synonymous variant. On other transcripts: intron variant (1).
Genome position (GRCh38, 1-based): chr11:62,519,930, G>A on the plus strand (C>T on the coding strand, the complement: AHNAK is on the minus strand). VCF-style: chr11-62519930-G-A. GRCh37 (hg19) VCF-style: chr11-62287402-G-A.
Other names: c.14487C>T, p.Asp4829= (NM_001346445.2, NM_001346446.2); c.342+15073C>T (NM_024060.4).
Identifiers: ClinVar variation 2641852 (VCV002641852.24), dbSNP rs141073062, ClinGen allele CA6044206.

ClinVar aggregate classification (germline): Likely benign (1 of 4 stars; one submission).

Allele frequency attached by ClinVar (database versions not stated): ExAC 0.00006; gnomAD exomes 0.00009; ESP Exome Variant Server 0.00015; 1000 Genomes Project 30x 0.00125.

Submission:

CeGaT Center for Human Genetics Tuebingen
Classification: Likely benign. Last evaluated: 2026-06-01. Review status: criteria provided, single submitter. Criteria: CeGaT Center For Human Genetics Tuebingen Variant Classification Criteria Version 2. Collection method: clinical testing. Allele origin: germline. Affected: yes. Observed: 13 variant alleles.
Comment: AHNAK: BP4, BP7